The following is an entry in ClinVar:

ClinVar aggregate classification (germline): Uncertain significance. Review status: criteria provided, multiple submitters, no conflicts (2 of 4 stars). 2 submissions from 2 submitters: Uncertain significance (2). Last evaluated 2024-02-28.

Conditions:
Inborn genetic diseases. Identifiers: MedGen C0950123, MeSH D030342.
Familial hemophagocytic lymphohistiocytosis 5. Also called: STXBP2-Related Familial Hemophagocytic Lymphohistiocytosis (STXBP2-fHLH). Identifiers: Orphanet 540, MedGen C2751293, MONDO:0013135, OMIM 613101.

gnomAD v4.1: 8 of 1,613,364 alleles (0.0005%); highest among the groups gnomAD compares: East Asian, 0.0022%; no homozygotes.

Submissions (2):

Ambry Genetics
Classification: Uncertain significance for Inborn genetic diseases. Last evaluated: 2024-02-28. Review status: criteria provided, single submitter. Criteria: Ambry Variant Classification Scheme 2023. Collection method: clinical testing. Allele origin: germline.

Labcorp Genetics (formerly Invitae), Labcorp
Classification: Uncertain significance for Familial hemophagocytic lymphohistiocytosis 5. Last evaluated: 2022-03-13. Review status: criteria provided, single submitter. Criteria: Invitae Variant Classification Sherloc (09022015). Collection method: clinical testing. Allele origin: germline.
Comment: This sequence change replaces glycine, which is neutral and non-polar, with arginine, which is basic and polar, at codon 379 of the STXBP2 protein (p.Gly379Arg). This variant is present in population databases (rs757979426, gnomAD 0.006%). This variant has not been reported in the literature in individuals affected with STXBP2-related conditions. Algorithms developed to predict the effect of missense changes on protein structure and function are either unavailable or do not agree on the potential impact of this missense change (SIFT: "Deleterious"; PolyPhen-2: "Benign"; Align-GVGD: "Class C65"). In summary, the available evidence is currently insufficient to determine the role of this variant in disease. Therefore, it has been classified as a Variant of Uncertain Significance.

NM_006949.4(STXBP2):c.1135G>C (p.Gly379Arg)

Gene: STXBP2 (syntaxin binding protein 2; plus strand). Cytogenetic location: 19p13.2.
Variant type: single nucleotide variant.
Coding change: c.1135G>C on transcript NM_006949.4 (MANE Select); coding-DNA position 1135, G replaced by C.
Protein change: p.Gly379Arg; replaces glycine 379 with arginine.
Molecular consequence: missense variant. On other transcripts: non-coding transcript variant (1).
Genome position (GRCh38, 1-based): chr19:7,644,641, G>C. VCF-style: chr19-7644641-G-C. GRCh37 (hg19) VCF-style: chr19-7709527-G-C.
Other names: c.1126G>C, p.Gly376Arg (NM_001127396.3); c.1168G>C, p.Gly390Arg (NM_001272034.2); c.1039G>C, p.Gly347Arg (NM_001414484.1); short protein forms G347R, G390R, G376R, G379R.
Identifiers: ClinVar variation 2193079 (VCV002193079.2), dbSNP rs757979426, ClinGen allele CA9144006.
Genomic context (GRCh38, chr19:7,644,641, plus strand): 5'-GCGGCCGGTGGACGGCTGACCCCATGCCCGCAGGACCTGGCCATGGGCTCCGACGCAGAG[G>C]GGGAGAAGATCAAGGACTCCATGAAGCTGATCGTTCCGGTGCTGCTGGACGCGGCGGTGC-3'
Protein context (NP_008880.2, residues 369-389): QDLAMGSDAE[Gly379Arg]EKIKDSMKLI